The following is an entry in ClinVar:

ClinVar aggregate classification (germline): Uncertain significance (1 of 4 stars; one submission).

Conditions:
Primary dilated cardiomyopathy (DCM). Also called: Dilated Cardiomyopathy. Identifiers: Orphanet 217604, MedGen C0007193, MeSH D002311, MONDO:0005021, HP:0001644. Inheritance: Various modes of inheritance.

Allele frequency attached by ClinVar (database versions not stated): gnomAD 0.00004 and 0.00005; TOPMed 0.00004; gnomAD exomes 0.00005 and 0.00009; ExAC 0.00008; 1000 Genomes Project 30x 0.00016; 1000 Genomes Project 0.00020.
gnomAD v4.1: 87 of 1,613,736 alleles (0.0054%); highest among the groups gnomAD compares: South Asian, 0.055%; 1 homozygote.

Submission:

Labcorp Genetics (formerly Invitae), Labcorp
Classification: Uncertain significance for Primary dilated cardiomyopathy. Last evaluated: 2025-12-21. Review status: criteria provided, single submitter. Criteria: Invitae Variant Classification Sherloc (09022015). Collection method: clinical testing. Allele origin: germline.
Comment: This sequence change replaces arginine, which is basic and polar, with tryptophan, which is neutral and slightly polar, at codon 104 of the NEBL protein (p.Arg104Trp). This variant is present in population databases (rs548671032, gnomAD 0.05%). This missense change has been observed in individual(s) with dilated cardiomyopathy (PMID: 32746448). ClinVar contains an entry for this variant (Variation ID: 847854). An algorithm developed to predict the effect of missense changes on protein structure and function (PolyPhen-2) suggests that this variant is likely to be tolerated. In summary, the available evidence is currently insufficient to determine the role of this variant in disease. Therefore, it has been classified as a Variant of Uncertain Significance.

Literature cited by the submitters: PubMed 32746448.

NM_006393.3(NEBL):c.310C>T (p.Arg104Trp)

Gene: NEBL (nebulette; minus strand). Cytogenetic location: 10p12.31.
Variant type: single nucleotide variant.
Coding change: c.310C>T on transcript NM_006393.3 (MANE Select); coding-DNA position 310, C replaced by T.
Protein change: p.Arg104Trp; replaces arginine 104 with tryptophan.
Molecular consequence: missense variant. On other transcripts: intron variant (9).
Genome position (GRCh38, 1-based): chr10:20,888,156, G>A on the plus strand (C>T on the coding strand, the complement: NEBL is on the minus strand). VCF-style: chr10-20888156-G-A. GRCh37 (hg19) VCF-style: chr10-21177085-G-A.
Other names: c.249+73516C>T (NM_001377326.1, NM_001377327.1, NM_001377328.1); c.357+73516C>T (NM_213569.2, NM_001173484.2, NM_001377322.1); c.300+73516C>T (NM_001377324.1); c.291+73516C>T (NM_001377325.1); c.309+73516C>T (NM_001377323.1); short protein forms R104W.
Identifiers: ClinVar variation 847854 (VCV000847854.7), dbSNP rs548671032, ClinGen allele CA5433289.
Genomic context (GRCh38, chr10:20,888,156, plus strand): 5'-CCTCACTCTGGAGCTGTGTAACTTCTCCTGCAAAAACACTGTCAATTGTGGCTGGCATCC[G>A]CTTATAAAGAGAATTAGAAAGGTCAGCTTTAATGGTGCCTTTGTATTTTGCCTGGGGGAA-3'
Protein context (NP_006384.1, residues 94-114): KADLSNSLYK[Arg104Trp]MPATIDSVFA